The following is an entry in ClinVar:

NM_000059.4(BRCA2):c.767del (p.Thr256fs)

Gene: BRCA2 (BRCA2 DNA repair associated; plus strand). Cytogenetic location: 13q13.1.
Variant type: Deletion.
Coding change: c.767del on transcript NM_000059.4 (MANE Select); coding-DNA position 767, one base deleted (C; older notation c.767delC).
Protein change: p.Thr256fs; shifts the reading frame from threonine 256.
Molecular consequence: frameshift variant.
Genome position (GRCh38, 1-based): chr13:32,331,004, C deleted. VCF-style (leftmost placement, unchanged base first): chr13-32331003-AC-A. GRCh37 (hg19) VCF-style: chr13-32905140-AC-A.
Other names: 995delC; c.767delC (NM_000059.3).
Identifiers: ClinVar variation 52383 (VCV000052383.5), dbSNP rs397507930, ClinGen allele CA025224.

ClinVar aggregate classification (germline): Pathogenic. Review status: reviewed by expert panel (3 of 4 stars). 2 submissions from 2 submitters: Pathogenic (1). 1 of the submissions does not count toward it. Last evaluated 2016-04-22.

Conditions:
Breast-ovarian cancer, familial, susceptibility to, 2 (BROVCA2). Also called: BRCA2 Hereditary Breast and Ovarian Cancer. Identifiers: Orphanet 145, MedGen C2675520, MONDO:0012933, OMIM 612555. Disease mechanism: loss of function.

Submissions (2):

Evidence-based Network for the Interpretation of Germline Mutant Alleles (ENIGMA)
Classification: Pathogenic for Breast-ovarian cancer, familial, susceptibility to, 2. Last evaluated: 2016-04-22. Review status: reviewed by expert panel. Criteria: ENIGMA BRCA1/2 Classification Criteria (2015). Collection method: curation. Allele origin: germline.
Comment: Variant allele predicted to encode a truncated non-functional protein.

Consortium of Investigators of Modifiers of BRCA1/2 (CIMBA), c/o University of Cambridge
Classification: Pathogenic for Breast-ovarian cancer, familial, susceptibility to, 2. Last evaluated: 2015-10-02. Review status: criteria provided, single submitter. Criteria: CIMBA Mutation Classification guidelines May 2016. Collection method: clinical testing. Allele origin: germline. Not counted in ClinVar's aggregate classification.